The following is an entry in ClinVar:

ClinVar aggregate classification (germline): Conflicting classifications of pathogenicity. Review status: criteria provided, conflicting classifications (1 of 4 stars). 5 submissions from 4 submitters: Uncertain significance (4); Likely benign (1). Last evaluated 2024-12-28.

Conditions:
Familial thoracic aortic aneurysm and aortic dissection (TAAD). Also called: Thoracic aortic aneurysms and dissections. Identifiers: Orphanet 91387, MedGen C4707243, MONDO:0019625.
Adams-Oliver syndrome 5 (AOS5). Identifiers: Orphanet 974, MedGen C4014970, MONDO:0014459, OMIM 616028.
Aortic valve disease 1 (AOVD1). Identifiers: MedGen C3887892, MONDO:0024523, OMIM 109730.

Allele frequency attached by ClinVar (database versions not stated): gnomAD 0.00001.
gnomAD v4.1: 21 of 1,612,456 alleles (0.0013%); highest among the groups gnomAD compares: South Asian, 0.0044%; no homozygotes.

Submissions (5):

Ambry Genetics
Classification: Uncertain significance for Familial thoracic aortic aneurysm and aortic dissection. Last evaluated: 2024-12-28. Review status: criteria provided, single submitter. Criteria: Ambry Variant Classification Scheme 2023. Collection method: clinical testing. Allele origin: germline.
Comment: The p.T1161M variant (also known as c.3482C>T), located in coding exon 21 of the NOTCH1 gene, results from a C to T substitution at nucleotide position 3482. The threonine at codon 1161 is replaced by methionine, an amino acid with similar properties. This amino acid position is conserved. In addition, this alteration is predicted to be deleterious by in silico analysis. Based on the available evidence, the clinical significance of this variant remains unclear.

Labcorp Genetics (formerly Invitae), Labcorp
Classification: Likely benign for Adams-Oliver syndrome 5. Last evaluated: 2023-07-07. Review status: criteria provided, single submitter. Criteria: Invitae Variant Classification Sherloc (09022015). Collection method: clinical testing. Allele origin: germline.

Genome-Nilou Lab
Classification: Uncertain significance for Adams-Oliver syndrome 5. Last evaluated: 2022-03-15. Review status: criteria provided, single submitter. Criteria: ACMG Guidelines, 2015. Collection method: clinical testing. Allele origin: germline. Affected: no.

Genome-Nilou Lab
Classification: Uncertain significance for Aortic valve disease 1. Last evaluated: 2022-03-15. Review status: criteria provided, single submitter. Criteria: ACMG Guidelines, 2015. Collection method: clinical testing. Allele origin: germline. Affected: no.

GeneDx
Classification: Uncertain significance. Last evaluated: 2021-04-02. Review status: criteria provided, single submitter. Criteria: GeneDx Variant Classification Process June 2021. Collection method: clinical testing. Allele origin: germline. Affected: yes.
Comment: Has not been previously published as pathogenic or benign to our knowledge; Not observed at a significant frequency in large population cohorts (Lek et al., 2016); In silico analysis, which includes protein predictors and evolutionary conservation, supports that this variant does not alter protein structure/function

NM_017617.5(NOTCH1):c.3482C>T (p.Thr1161Met)

Gene: NOTCH1 (notch receptor 1; minus strand). Cytogenetic location: 9q34.3.
Variant type: single nucleotide variant.
Coding change: c.3482C>T on transcript NM_017617.5 (MANE Select); coding-DNA position 3482, C replaced by T.
Protein change: p.Thr1161Met; replaces threonine 1161 with methionine.
Molecular consequence: missense variant.
Genome position (GRCh38, 1-based): chr9:136,507,983, G>A on the plus strand (C>T on the coding strand, the complement: NOTCH1 is on the minus strand). VCF-style: chr9-136507983-G-A. GRCh37 (hg19) VCF-style: chr9-139402435-G-A.
Other names: short protein forms T1161M.
Identifiers: ClinVar variation 1217875 (VCV001217875.11), dbSNP rs769903954, ClinGen allele CA5340921.